The following is an entry in ClinVar:

NM_031407.7(HUWE1):c.7331A>T (p.Asp2444Val)

Genes: HUWE1 (HECT, UBA and WWE domain containing E3 ubiquitin protein ligase 1; minus strand), LOC126863262 (MED14-independent group 3 enhancer GRCh37_chrX:53588722-53589921; plus strand). Cytogenetic location: Xp11.22.
Variant type: single nucleotide variant.
Coding change: c.7331A>T on transcript NM_031407.7 (MANE Select); coding-DNA position 7331, A replaced by T.
Protein change: p.Asp2444Val; replaces aspartic acid 2444 with valine.
Molecular consequence: missense variant.
Genome position (GRCh38, 1-based): chrX:53,562,118, T>A on the plus strand (A>T on the coding strand, the complement: HUWE1 is on the minus strand). VCF-style: chrX-53562118-T-A. GRCh37 (hg19) VCF-style: chrX-53589079-T-A.
Other names: short protein forms D2444V.
Identifiers: ClinVar variation 1310569 (VCV001310569.2), dbSNP rs1556941764, ClinGen allele CA413159316.

ClinVar aggregate classification (germline): Uncertain significance (1 of 4 stars; one submission).

Submission:

GeneDx
Classification: Uncertain significance. Last evaluated: 2019-12-13. Review status: criteria provided, single submitter. Criteria: GeneDx Variant Classification Process June 2021. Collection method: clinical testing. Allele origin: germline. Affected: yes.
Comment: Not observed in large population cohorts (Lek et al., 2016); In silico analysis, which includes protein predictors and evolutionary conservation, supports a deleterious effect; Has not been previously published as pathogenic or benign to our knowledge